The following is an entry in ClinVar:

ClinVar aggregate classification (germline): Uncertain significance (1 of 4 stars; one submission).

Conditions:
Muscular dystrophy-dystroglycanopathy (congenital with brain and eye anomalies), type A, 7. Also called: WALKER-WARBURG SYNDROME OR MUSCLE-EYE-BRAIN DISEASE, ISPD-RELATED; Congenital muscular dystrophy-dystroglycanopathy with brain and eye anomalies, type A7. Identifiers: Orphanet 899, MedGen C3553330, MONDO:0013835, OMIM 614643.
Autosomal recessive limb-girdle muscular dystrophy type 2U. Also called: Muscular dystrophy-dystroglycanopathy (limb-girdle), type c, 7; MUSCULAR DYSTROPHY, LIMB-GIRDLE, TYPE 2U. Identifiers: Orphanet 352479, MedGen C5190987, MONDO:0014474, OMIM 616052.

Submission:

Labcorp Genetics (formerly Invitae), Labcorp
Classification: Uncertain significance for Muscular dystrophy-dystroglycanopathy (congenital with brain and eye anomalies), type A, 7; Autosomal recessive limb-girdle muscular dystrophy type 2U. Last evaluated: 2022-03-26. Review status: criteria provided, single submitter. Criteria: Invitae Variant Classification Sherloc (09022015). Collection method: clinical testing. Allele origin: germline.
Comment: This variant has not been reported in the literature in individuals affected with ISPD-related conditions. This variant is not present in population databases (gnomAD no frequency). This sequence change replaces isoleucine, which is neutral and non-polar, with serine, which is neutral and polar, at codon 285 of the ISPD protein (p.Ile285Ser). Algorithms developed to predict the effect of missense changes on protein structure and function are either unavailable or do not agree on the potential impact of this missense change (SIFT: "Deleterious"; PolyPhen-2: "Benign"; Align-GVGD: "Class C0"). In summary, the available evidence is currently insufficient to determine the role of this variant in disease. Therefore, it has been classified as a Variant of Uncertain Significance.

NM_001101426.4(CRPPA):c.854T>G (p.Ile285Ser)

Gene: CRPPA (CDP-L-ribitol pyrophosphorylase A; minus strand). Cytogenetic location: 7p21.2.
Variant type: single nucleotide variant.
Coding change: c.854T>G on transcript NM_001101426.4 (MANE Select); coding-DNA position 854, T replaced by G.
Protein change: p.Ile285Ser; replaces isoleucine 285 with serine.
Molecular consequence: missense variant. On other transcripts: non-coding transcript variant (1).
Genome position (GRCh38, 1-based): chr7:16,278,208, A>C on the plus strand (T>G on the coding strand, the complement: CRPPA is on the minus strand). VCF-style: chr7-16278208-A-C. GRCh37 (hg19) VCF-style: chr7-16317833-A-C.
Other names: c.704T>G, p.Ile235Ser (NM_001101417.4); c.749T>G, p.Ile250Ser (NM_001368197.1); short protein forms I285S, I250S, I235S.
Identifiers: ClinVar variation 2117560 (VCV002117560.4), dbSNP rs2546652862, ClinGen allele CA367001382.